The following is an entry in ClinVar:

ClinVar aggregate classification (germline): Uncertain significance. Review status: criteria provided, multiple submitters, no conflicts (2 of 4 stars). 2 submissions from 2 submitters: Uncertain significance (2). Last evaluated 2025-03-30.

Conditions:
Dyskeratosis congenita, autosomal recessive 6 (DKCB6). Identifiers: MedGen C4225356, MONDO:0014600, OMIM 616353.
Pulmonary fibrosis and/or bone marrow failure, Telomere-related, 4. Also called: PULMONARY FIBROSIS AND/OR BONE MARROW FAILURE SYNDROME, TELOMERE-RELATED, 4. Identifiers: Orphanet 2032, MedGen C4225347, MONDO:0014612, OMIM 616371.
Inborn genetic diseases. Identifiers: MedGen C0950123, MeSH D030342.

Submissions (2):

Ambry Genetics
Classification: Uncertain significance for Inborn genetic diseases. Last evaluated: 2025-03-30. Review status: criteria provided, single submitter. Criteria: Ambry Variant Classification Scheme 2023. Collection method: clinical testing. Allele origin: germline.

Labcorp Genetics (formerly Invitae), Labcorp
Classification: Uncertain significance for Dyskeratosis congenita, autosomal recessive 6; Pulmonary fibrosis and/or bone marrow failure, Telomere-related, 4. Last evaluated: 2022-09-20. Review status: criteria provided, single submitter. Criteria: Invitae Variant Classification Sherloc (09022015). Collection method: clinical testing. Allele origin: germline.
Comment: In summary, the available evidence is currently insufficient to determine the role of this variant in disease. Therefore, it has been classified as a Variant of Uncertain Significance. Algorithms developed to predict the effect of missense changes on protein structure and function are either unavailable or do not agree on the potential impact of this missense change (SIFT: "Deleterious"; PolyPhen-2: "Benign"; Align-GVGD: "Class C0"). This variant has not been reported in the literature in individuals affected with PARN-related conditions. This variant is present in population databases (no rsID available, gnomAD 0.003%). This sequence change replaces glycine, which is neutral and non-polar, with glutamic acid, which is acidic and polar, at codon 157 of the PARN protein (p.Gly157Glu).

NM_002582.4(PARN):c.470G>A (p.Gly157Glu)

Gene: PARN (poly(A)-specific ribonuclease; minus strand). Cytogenetic location: 16p13.12.
Variant type: single nucleotide variant.
Coding change: c.470G>A on transcript NM_002582.4 (MANE Select); coding-DNA position 470, G replaced by A.
Protein change: p.Gly157Glu; replaces glycine 157 with glutamic acid.
Molecular consequence: missense variant.
Genome position (GRCh38, 1-based): chr16:14,610,728, C>T on the plus strand (G>A on the coding strand, the complement: PARN is on the minus strand). VCF-style: chr16-14610728-C-T. GRCh37 (hg19) VCF-style: chr16-14704585-C-T.
Other names: c.470G>A (NM_002582.3); c.287G>A, p.Gly96Glu (NM_001134477.3); c.332G>A, p.Gly111Glu (NM_001242992.2); short protein forms G157E, G111E, G96E.
Identifiers: ClinVar variation 2171270 (VCV002171270.5), dbSNP rs750612864, ClinGen allele CA394810951.
Genomic context (GRCh38, chr16:14,610,728, plus strand): 5'-TGATCCTCAGGAATCGTGACAGGACATTTTGAAGTGTTAGGAGATACATAGGACAGAGCT[C>T]CTGCACCATTCGCCTGTGAACGTTTTTCATCATACTGCTCTCTTAACTGTCTTTCTTCTT-3'
Protein context (NP_002573.1, residues 147-167): DEKRSQANGA[Gly157Glu]ALSYVSPNTS